The following is an entry in ClinVar:

NM_001080.3(ALDH5A1):c.110C>T (p.Pro37Leu)

Genes: ALDH5A1 (aldehyde dehydrogenase 5 family member A1; plus strand), GPLD1 (glycosylphosphatidylinositol specific phospholipase D1; minus strand), LOC129995978 (ATAC-STARR-seq lymphoblastoid silent region 16989; plus strand). Cytogenetic location: 6p22.3.
Variant type: single nucleotide variant.
Coding change: c.110C>T on transcript NM_001080.3 (MANE Select); coding-DNA position 110, C replaced by T.
Protein change: p.Pro37Leu; replaces proline 37 with leucine.
Molecular consequence: missense variant.
Genome position (GRCh38, 1-based): chr6:24,495,106, C>T. VCF-style: chr6-24495106-C-T. GRCh37 (hg19) VCF-style: chr6-24495334-C-T.
Other names: c.110C>T, p.Pro37Leu (NM_001368954.1, NM_170740.1); short protein forms P37L.
Identifiers: ClinVar variation 936181 (VCV000936181.8), dbSNP rs1764663428, ClinGen allele CA362968247.

ClinVar aggregate classification (germline): Uncertain significance (1 of 4 stars; one submission).

Conditions:
Succinate-semialdehyde dehydrogenase deficiency (SSADHD). Also called: Succinic Semialdehyde Dehydrogenase Deficiency; SSADH DEFICIENCY; 4-HYDROXYBUTYRIC ACIDURIA; GABA METABOLIC DEFECT. Identifiers: Orphanet 22, MedGen C0268631, MONDO:0010083, OMIM 271980.

Allele frequency attached by ClinVar (database versions not stated): gnomAD 0.00001.

Submission:

Labcorp Genetics (formerly Invitae), Labcorp
Classification: Uncertain significance for Succinate-semialdehyde dehydrogenase deficiency. Last evaluated: 2022-08-31. Review status: criteria provided, single submitter. Criteria: Invitae Variant Classification Sherloc (09022015). Collection method: clinical testing. Allele origin: germline.
Comment: In summary, the available evidence is currently insufficient to determine the role of this variant in disease. Therefore, it has been classified as a Variant of Uncertain Significance. Advanced modeling of protein sequence and biophysical properties (such as structural, functional, and spatial information, amino acid conservation, physicochemical variation, residue mobility, and thermodynamic stability) performed at Invitae indicates that this missense variant is not expected to disrupt ALDH5A1 protein function. ClinVar contains an entry for this variant (Variation ID: 936181). This variant has not been reported in the literature in individuals affected with ALDH5A1-related conditions. This variant is not present in population databases (gnomAD no frequency). This sequence change replaces proline, which is neutral and non-polar, with leucine, which is neutral and non-polar, at codon 37 of the ALDH5A1 protein (p.Pro37Leu).